The following is an entry in ClinVar:

NM_175914.5(HNF4A):c.*1087G>C

Gene: HNF4A (hepatocyte nuclear factor 4 alpha; plus strand). Cytogenetic location: 20q13.12.
Variant type: single nucleotide variant.
Coding change: c.*1087G>C on transcript NM_175914.5 (MANE Select); 1087 bases downstream of the stop codon, G replaced by C.
Molecular consequence: 3 prime UTR variant.
Genome position (GRCh38, 1-based): chr20:44,430,752, G>C. VCF-style: chr20-44430752-G-C. GRCh37 (hg19) VCF-style: chr20-43059392-G-C.
Other names: c.*1087G>C (NM_000457.6, NM_001030003.3, NM_001258355.2 and 3 more transcripts).
Identifiers: ClinVar variation 338455 (VCV000338455.6), dbSNP rs540463510, ClinGen allele CA10652535.
Genomic context (GRCh38, chr20:44,430,752, plus strand): 5'-TCAAGGAGTATGCAGGGAGCTGGGCTTCCAGAAAATGAACACAGCAGTTCTGCAGAGGAC[G>C]GGAGGCTGGAAGCTGGGAGGTCAGGTGGGGTGGATGATATAATGCGGGTGAGAGTAATGA-3'

ClinVar aggregate classification (germline): Conflicting classifications of pathogenicity. Review status: criteria provided, conflicting classifications (1 of 4 stars). 3 submissions from 2 submitters: Uncertain significance (2); Benign (1). Last evaluated 2018-01-13.

Conditions:
Familial hyperinsulinism. Also called: Congenital hyperinsulinism. Identifiers: Orphanet 276525, MedGen C3888018, MONDO:0017182. Disease mechanism: loss of function.
Maturity-onset diabetes of the young (MODY). Also called: Maturity onset diabetes mellitus in young. Identifiers: Orphanet 552, MedGen C0342276, MONDO:0018911, HP:0004904.
Maturity-onset diabetes of the young type 1. Also called: MILD JUVENILE DIABETES MELLITUS; MODY, type I; MODY type 1; Diabetes mellitus MODY type 1; MODY HNF4A related; HNF4A-Related Maturity-Onset Diabetes of the Young Type 1. Identifiers: Orphanet 552, MedGen C1852093, MONDO:0007452, OMIM 125850. Disease mechanism: loss of function.

Allele frequency attached by ClinVar (database versions not stated): gnomAD 0.00016; TOPMed 0.00023.

Submissions (3):

Illumina Laboratory Services, Illumina
Classification: Uncertain significance for Familial hyperinsulinism. Last evaluated: 2018-01-13. Review status: criteria provided, single submitter. Criteria: ICSL Variant Classification Criteria 13 December 2019. Collection method: clinical testing. Allele origin: germline.

Illumina Laboratory Services, Illumina
Classification: Uncertain significance for Maturity-onset diabetes of the young type 1. Last evaluated: 2018-01-13. Review status: criteria provided, single submitter. Criteria: ICSL Variant Classification Criteria 13 December 2019. Collection method: clinical testing. Allele origin: germline.

Clinical Genomics, Uppaluri K&H Personalized Medicine Clinic
Classification: Benign for Maturity-onset diabetes of the young. Review status: criteria provided, single submitter. Criteria: K & H Uppaluri Personalized Medicine Clinic Variant Classification & Assertion Criteria_Updated V.1. Collection method: research. Allele origin: unknown. Inheritance: Autosomal dominant inheritance.
Comment: Potent mutations in HNF4A are associated with poor insulin secretion in response to hyperglycemia. Associated with MODY1. Patients initially respond well to sulfonylureas but eventually become insulin dependent. However, more evidence is required to ascertain the role of this particular variant rs540463510 in MODY, yet.

Literature cited by the submitters: DOI 10.1159/000334532 (cited by Clinical Genomics, Uppaluri K&H Personalized Medicine Clinic); PubMed 18268044 (cited by Clinical Genomics, Uppaluri K&H Personalized Medicine Clinic); PubMed 17563455 (cited by Clinical Genomics, Uppaluri K&H Personalized Medicine Clinic); PubMed 32583173 (cited by Clinical Genomics, Uppaluri K&H Personalized Medicine Clinic); PubMed 35052457 (cited by Clinical Genomics, Uppaluri K&H Personalized Medicine Clinic); PubMed 35118593 (cited by Clinical Genomics, Uppaluri K&H Personalized Medicine Clinic).